The following is an entry in ClinVar:

NM_000038.6(APC):c.1540G>T (p.Ala514Ser)

Gene: APC (APC regulator of Wnt signaling pathway; plus strand). Cytogenetic location: 5q22.2.
Variant type: single nucleotide variant.
Coding change: c.1540G>T on transcript NM_000038.6 (MANE Select); coding-DNA position 1540, G replaced by T.
Protein change: p.Ala514Ser; replaces alanine 514 with serine.
Molecular consequence: missense variant.
Genome position (GRCh38, 1-based): chr5:112,827,239, G>T. VCF-style: chr5-112827239-G-T. GRCh37 (hg19) VCF-style: chr5-112162936-G-T.
Other names: c.1417G>T, p.Ala473Ser (NM_001354900.2); c.1363G>T, p.Ala455Ser (NM_001354901.2, NM_001407453.1); c.1267G>T, p.Ala423Ser (NM_001354902.2); c.1237G>T, p.Ala413Ser (NM_001354903.2, NM_001407458.1, NM_001407459.1 and 1 more transcripts); c.1162G>T, p.Ala388Ser (NM_001354904.2); c.1060G>T, p.Ala354Ser (NM_001354905.2); c.691G>T, p.Ala231Ser (NM_001354906.2, NM_001407470.1); c.1624G>T, p.Ala542Ser (NM_001407446.1); and 11 more; short protein forms A385S, A473S, A504S, A542S, A130S, A388S, A423S, A524S.
Identifiers: ClinVar variation 4825059 (VCV004825059.1).

ClinVar aggregate classification (germline): Uncertain significance (1 of 4 stars; one submission).

Conditions:
Hereditary cancer-predisposing syndrome. Also called: Neoplastic Syndromes, Hereditary; Tumor predisposition; Hereditary Cancer Syndrome; Hereditary neoplastic syndrome. Identifiers: Orphanet 140162, MedGen C0027672, MeSH D009386, MONDO:0015356.

Submission:

Ambry Genetics
Classification: Uncertain significance for Hereditary cancer-predisposing syndrome. Last evaluated: 2026-02-20. Review status: criteria provided, single submitter. Criteria: Ambry Variant Classification Scheme 2023. Collection method: clinical testing. Allele origin: germline.
Comment: The p.A514S variant (also known as c.1540G>T), located in coding exon 11 of the APC gene, results from a G to T substitution at nucleotide position 1540. The alanine at codon 514 is replaced by serine, an amino acid with similar properties. This amino acid position is conserved. In addition, in silico predictors for this gene do not accurately predict pathogenicity. Based on the available evidence, the clinical significance of this variant remains unclear.